The following is an entry in ClinVar:

ClinVar aggregate classification (germline): Benign (1 of 4 stars; one submission).

gnomAD v4.1: 56 of 1,607,022 alleles (0.0035%); highest among the groups gnomAD compares: East Asian, 0.011%; no homozygotes.

Submission:

Athena Diagnostics
Classification: Benign. Last evaluated: 2025-02-26. Review status: criteria provided, single submitter. Criteria: Athena Diagnostics Criteria. Collection method: clinical testing. Allele origin: unknown.
Comment: The frequency of this variant in the general population is higher than would generally be expected for pathogenic variants in this gene. Computational tools yielded predictions that this variant is unlikely to have an effect on normal RNA splicing. This nucleotide position exhibits low evolutionary conservation.

NM_006946.4(SPTBN2):c.1422C>T (p.Ile474=)

Gene: SPTBN2 (spectrin beta, non-erythrocytic 2; minus strand). Cytogenetic location: 11q13.2.
Variant type: single nucleotide variant.
Coding change: c.1422C>T on transcript NM_006946.4 (MANE Select); coding-DNA position 1422, C replaced by T.
Protein change: p.Ile474=; no amino-acid change (isoleucine 474 retained).
Molecular consequence: synonymous variant.
Genome position (GRCh38, 1-based): chr11:66,707,747, G>A on the plus strand (C>T on the coding strand, the complement: SPTBN2 is on the minus strand). VCF-style: chr11-66707747-G-A. GRCh37 (hg19) VCF-style: chr11-66475218-G-A.
Other names: c.1443C>T, p.Ile481= (NM_001411025.1); c.1422C>T, p.Ile474= (NM_001437541.1).
Identifiers: ClinVar variation 4682433 (VCV004682433.1).